The following is an entry in ClinVar:

ClinVar aggregate classification (germline): Likely benign. Review status: criteria provided, multiple submitters, no conflicts (2 of 4 stars). 6 submissions from 6 submitters: Likely benign (5). 1 of the submissions does not count toward it. Last evaluated 2025-12-01.

Conditions:
DNAH5-related disorder. Also called: DNAH5-related condition.
Primary ciliary dyskinesia. Also called: Ciliary dyskinesia. Identifiers: Orphanet 244, MedGen C0008780, MONDO:0016575, HP:0012265.

Allele frequency attached by ClinVar (database versions not stated): TOPMed 0.00002; gnomAD 0.00004 and 0.00012; ExAC 0.00025; 1000 Genomes Project 30x 0.00062; 1000 Genomes Project 0.00080.
gnomAD v4.1: 205 of 1,614,106 alleles (0.013%); highest among the groups gnomAD compares: South Asian, 0.16%; 2 homozygotes.

Submissions (6):

PreventionGenetics, part of Exact Sciences
Classification: Likely benign for DNAH5-related condition. Last evaluated: 2025-12-01. Review status: criteria provided, single submitter. Criteria: ACMG Guidelines, 2015. Collection method: clinical testing. Allele origin: germline.
Comment: This variant is classified as likely benign based on ACMG/AMP sequence variant interpretation guidelines (Richards et al. 2015 PMID: 25741868, with internal and published modifications).

Labcorp Genetics (formerly Invitae), Labcorp
Classification: Likely benign for Primary ciliary dyskinesia. Last evaluated: 2025-11-24. Review status: criteria provided, single submitter. Criteria: Invitae Variant Classification Sherloc (09022015). Collection method: clinical testing. Allele origin: germline.

CeGaT Center for Human Genetics Tuebingen
Classification: Likely benign. Last evaluated: 2025-04-01. Review status: criteria provided, single submitter. Criteria: CeGaT Center For Human Genetics Tuebingen Variant Classification Criteria Version 2. Collection method: clinical testing. Allele origin: germline. Affected: yes. Observed: 1 variant allele.
Comment: DNAH5: BP4

Ambry Genetics
Classification: Likely benign for Primary ciliary dyskinesia. Last evaluated: 2022-04-19. Review status: criteria provided, single submitter. Criteria: Ambry Variant Classification Scheme 2023. Collection method: clinical testing. Allele origin: germline.

Breakthrough Genomics
Classification: Likely benign. Review status: criteria provided, single submitter. Criteria: ACMG Guidelines, 2015. Collection method: not provided. Allele origin: germline. Inheritance: Autosomal recessive inheritance. Affected: yes.

Natera, Inc.
Classification: Uncertain significance for Primary ciliary dyskinesia. Last evaluated: 2020-01-17. Review status: no assertion criteria provided. Collection method: clinical testing. Allele origin: germline. Not counted in ClinVar's aggregate classification.

NM_001369.3(DNAH5):c.1982G>A (p.Arg661His)

Gene: DNAH5 (dynein axonemal heavy chain 5; minus strand). Cytogenetic location: 5p15.2.
Variant type: single nucleotide variant.
Coding change: c.1982G>A on transcript NM_001369.3 (MANE Select); coding-DNA position 1982, G replaced by A.
Protein change: p.Arg661His; replaces arginine 661 with histidine.
Molecular consequence: missense variant.
Genome position (GRCh38, 1-based): chr5:13,901,322, C>T on the plus strand (G>A on the coding strand, the complement: DNAH5 is on the minus strand). VCF-style: chr5-13901322-C-T. GRCh37 (hg19) VCF-style: chr5-13901431-C-T.
Other names: short protein forms R661H.
Identifiers: ClinVar variation 661991 (VCV000661991.22), dbSNP rs185855852, ClinGen allele CA3204702.